The following is an entry in ClinVar:

NM_001110556.2(FLNA):c.2090T>C (p.Val697Ala)

Gene: FLNA (filamin A; minus strand). Cytogenetic location: Xq28.
Variant type: single nucleotide variant.
Coding change: c.2090T>C on transcript NM_001110556.2 (MANE Select); coding-DNA position 2090, T replaced by C.
Protein change: p.Val697Ala; replaces valine 697 with alanine.
Molecular consequence: missense variant.
Genome position (GRCh38, 1-based): chrX:154,364,305, A>G on the plus strand (T>C on the coding strand, the complement: FLNA is on the minus strand). VCF-style: chrX-154364305-A-G. GRCh37 (hg19) VCF-style: chrX-153592673-A-G.
Other names: c.2090T>C, p.Val697Ala (NM_001456.4); short protein forms V697A.
Identifiers: ClinVar variation 5007534 (VCV005007534.2).

ClinVar aggregate classification (germline): Uncertain significance (1 of 4 stars; one submission).

Conditions:
Frontometaphyseal dysplasia 1 (FMD1). Also called: Frontometaphyseal Dysplasia (FLNA-FMD). Identifiers: Orphanet 1826, MedGen C4281559, MONDO:0024550, OMIM 305620.
Oto-palato-digital syndrome, type I (OPD1). Also called: OPD I SYNDROME; OPD SYNDROME 1; Otopalatodigital Syndrome, Type I; Otopalatodigital Syndrome Type 1 (FLNA-OPD1); Taybi syndrome. Identifiers: Orphanet 669, Orphanet 90650, MedGen C0265251, MONDO:0010704, OMIM 311300.
Oto-palato-digital syndrome, type II (OPD2). Also called: OPD II SYNDROME; Otopalatodigital Syndrome, Type II; Otopalatodigital Syndrome Type 2 (FLNA-OPD2); FACIOPALATOOSSEOUS SYNDROME. Identifiers: Orphanet 669, Orphanet 90652, MedGen C1844696, MONDO:0010571, OMIM 304120.
Melnick-Needles syndrome (MNS). Also called: MELNICK-NEEDLES OSTEODYSPLASTY; OSTEODYSPLASTY OF MELNICK AND NEEDLES; Melnick-Needles Syndrome (FLNA-MNS). Identifiers: Orphanet 2484, MedGen C0025237, MONDO:0010650, OMIM 309350.
FG syndrome 2 (FGS2). Identifiers: MedGen C1845902, MONDO:0010297, OMIM 300321.
Cardiac valvular dysplasia, X-linked (CVDPX). Also called: FLNA-Related X-linked Cardiac Valvular Dysplasia; MYXOMATOUS VALVULAR DYSTROPHY, X-LINKED; Isolated X-Linked Cardiac Valvular Dysplasia; VALVULAR HEART DISEASE, CONGENITAL; Congenital valvular dysplasia. Identifiers: Orphanet 1864, Orphanet 555877, Orphanet 75497, MedGen C0262436, MONDO:0010753, OMIM 314400.
Terminal osseous dysplasia-pigmentary defects syndrome. Also called: ODPD; ODPF SYNDROME; OSSEOUS DYSPLASIA, DIGITAL, WITH FACIAL PIGMENTARY DEFECTS AND MULTIPLE FRENULA; TERMINAL OSSEOUS DYSPLASIA AND PIGMENTARY DEFECTS; Terminal Osseous Dysplasia (FLNA-TOD). Identifiers: Orphanet 88630, MedGen C1846129, MONDO:0010279, OMIM 300244.
Intestinal pseudoobstruction, neuronal, chronic idiopathic, X-linked (CIIPX). Also called: INTESTINAL PSEUDOOBSTRUCTION, NEURONAL, CHRONIC IDIOPATHIC, WITH CENTRAL NERVOUS SYSTEM INVOLVEMENT; FLNA-Related Periventricular Nodular Heterotopia (FLNA-Related PVNH; Huttenlocher Syndrome); CONGENITAL IDIOPATHIC INTESTINAL PSEUDOOBSTRUCTION. Identifiers: Orphanet 2301, MedGen C2746068, MONDO:0010232, OMIM 300048.
Heterotopia, periventricular, X-linked dominant (PVNH1). Also called: PERIVENTRICULAR NODULAR HETEROTOPIA 1; PERIVENTRICULAR NODULAR HETEROTOPIA 4; HETEROTOPIA, PERIVENTRICULAR, 1; X-linked periventricular heterotopia. Identifiers: Orphanet 2149, Orphanet 82004, MedGen C1848213, MONDO:0010233, OMIM 300049.

Submission:

Juno Genomics, Hangzhou Juno Genomics, Inc
Classification: Uncertain significance for Heterotopia, periventricular, X-linked dominant; Terminal osseous dysplasia-pigmentary defects syndrome; FG syndrome 2; Cardiac valvular dysplasia, X-linked; Intestinal pseudoobstruction, neuronal, chronic idiopathic, X-linked; Frontometaphyseal dysplasia 1; Melnick-Needles syndrome; Oto-palato-digital syndrome, type I; Oto-palato-digital syndrome, type II. Review status: criteria provided, single submitter. Criteria: ACMG Guidelines, 2015. Collection method: clinical testing. Allele origin: germline.
Comment: Absent from controls (or at extremely low frequency if recessive) in Genome Aggregation Database.;Multiple lines of computational evidence support a deleterious effect on the gene or gene product.